The following is an entry in ClinVar:

ClinVar aggregate classification (germline): Uncertain significance. Review status: criteria provided, multiple submitters, no conflicts (2 of 4 stars). 2 submissions from 2 submitters: Uncertain significance (2). Last evaluated 2025-05-29.

gnomAD v4.1: 56 of 1,613,108 alleles (0.0035%); highest among the groups gnomAD compares: Middle Eastern, 0.016%; no homozygotes.

Submissions (2):

Women's Health and Genetics/Laboratory Corporation of America, LabCorp
Classification: Uncertain significance. Last evaluated: 2025-05-29. Review status: criteria provided, single submitter. Criteria: LabCorp Variant Classification Summary - May 2015. Collection method: clinical testing. Allele origin: germline.
Comment: Variant summary: SPTB c.6011G>A (p.Arg2004Gln) results in a conservative amino acid change in the encoded protein sequence. Algorithms developed to predict the effect of missense changes on protein structure and function are either unavailable or do not agree on the potential impact of this missense change. The variant allele was found at a frequency of 3.2e-05 in 250830 control chromosomes. The available data on variant occurrences in the general population are insufficient to allow any conclusion about variant significance. To our knowledge, no occurrence of c.6011G>A in individuals affected with SPTB-Related Disorders and no experimental evidence demonstrating its impact on protein function have been reported. ClinVar contains an entry for this variant (Variation ID: 3714145). Based on the evidence outlined above, the variant was classified as uncertain significance.

Labcorp Genetics (formerly Invitae), Labcorp
Classification: Uncertain significance. Last evaluated: 2024-03-01. Review status: criteria provided, single submitter. Criteria: Invitae Variant Classification Sherloc (09022015). Collection method: clinical testing. Allele origin: germline.
Comment: This sequence change replaces arginine, which is basic and polar, with glutamine, which is neutral and polar, at codon 2004 of the SPTB protein (p.Arg2004Gln). This variant is present in population databases (rs372967907, gnomAD 0.01%). This variant has not been reported in the literature in individuals affected with SPTB-related conditions. Algorithms developed to predict the effect of missense changes on protein structure and function output the following: SIFT: "Not Available"; PolyPhen-2: "Benign"; Align-GVGD: "Not Available". The glutamine amino acid residue is found in multiple mammalian species, which suggests that this missense change does not adversely affect protein function. In summary, the available evidence is currently insufficient to determine the role of this variant in disease. Therefore, it has been classified as a Variant of Uncertain Significance.

NM_001355436.2(SPTB):c.6011G>A (p.Arg2004Gln)

Gene: SPTB (spectrin beta, erythrocytic; minus strand). Cytogenetic location: 14q23.3.
Variant type: single nucleotide variant.
Coding change: c.6011G>A on transcript NM_001355436.2 (MANE Select); coding-DNA position 6011, G replaced by A.
Protein change: p.Arg2004Gln; replaces arginine 2004 with glutamine.
Molecular consequence: missense variant.
Genome position (GRCh38, 1-based): chr14:64,769,045, C>T on the plus strand (G>A on the coding strand, the complement: SPTB is on the minus strand). VCF-style: chr14-64769045-C-T. GRCh37 (hg19) VCF-style: chr14-65235763-C-T.
Other names: c.6011G>A, p.Arg2004Gln (NM_001024858.4, NM_001355437.2); short protein forms R2004Q.
Identifiers: ClinVar variation 3714145 (VCV003714145.3).